The following is an entry in ClinVar:

ClinVar aggregate classification (germline): Benign (1 of 4 stars; one submission).

Allele frequency attached by ClinVar (database versions not stated): TOPMed 0.86218; 1000 Genomes Project 30x 0.86399; gnomAD 0.86470 and 0.86856; 1000 Genomes Project 0.86661.
gnomAD v4.1: 132,186 of 152,028 alleles (87%); highest among the groups gnomAD compares: Non-Finnish European, 93%; 58,210 homozygotes.

Submission:

GeneDx
Classification: Benign. Last evaluated: 2018-06-19. Review status: criteria provided, single submitter. Criteria: GeneDx Variant Classification (06012015). Collection method: clinical testing. Allele origin: germline. Affected: yes.
Comment: This variant is considered likely benign or benign based on one or more of the following criteria: it is a conservative change, it occurs at a poorly conserved position in the protein, it is predicted to be benign by multiple in silico algorithms, and/or has population frequency not consistent with disease.

NM_000430.4(PAFAH1B1):c.400-284A>G

Gene: PAFAH1B1 (platelet activating factor acetylhydrolase 1b regulatory subunit 1; plus strand). Cytogenetic location: 17p13.3.
Variant type: single nucleotide variant.
Coding change: c.400-284A>G on transcript NM_000430.4 (MANE Select); 284 bases into the intron before coding-DNA position 400, A replaced by G.
Molecular consequence: intron variant.
Genome position (GRCh38, 1-based): chr17:2,669,879, A>G. VCF-style: chr17-2669879-A-G. GRCh37 (hg19) VCF-style: chr17-2573173-A-G.
Identifiers: ClinVar variation 667540 (VCV000667540.1), dbSNP rs11078302, ClinGen allele CA286906399.